The following is an entry in ClinVar:

NM_014679.5(CEP57):c.256G>C (p.Glu86Gln)

Gene: CEP57 (centrosomal protein 57; plus strand). Cytogenetic location: 11q21.
Variant type: single nucleotide variant.
Coding change: c.256G>C on transcript NM_014679.5 (MANE Select); coding-DNA position 256, G replaced by C.
Protein change: p.Glu86Gln; replaces glutamic acid 86 with glutamine.
Molecular consequence: missense variant.
Genome position (GRCh38, 1-based): chr11:95,812,985, G>C. VCF-style: chr11-95812985-G-C. GRCh37 (hg19) VCF-style: chr11-95546149-G-C.
Other names: c.256G>C (NM_014679.4); c.229G>C, p.Glu77Gln (NM_001243776.2); c.256G>C, p.Glu86Gln (NM_001243777.2); c.175G>C, p.Glu59Gln (NM_001363604.2); short protein forms E59Q, E77Q, E86Q.
Identifiers: ClinVar variation 2021492 (VCV002021492.5), dbSNP rs1164730107, ClinGen allele CA382420218.

ClinVar aggregate classification (germline): Uncertain significance. Review status: criteria provided, multiple submitters, no conflicts (2 of 4 stars). 2 submissions from 2 submitters: Uncertain significance (2). Last evaluated 2025-01-20.

Conditions:
Inborn genetic diseases. Identifiers: MedGen C0950123, MeSH D030342.
Mosaic variegated aneuploidy syndrome 2 (MVA2). Identifiers: Orphanet 1052, MedGen C3279843, MONDO:0013582, OMIM 614114.

Allele frequency attached by ClinVar (database versions not stated): gnomAD exomes below 0.00001; gnomAD 0.00001.
gnomAD v4.1: 4 of 1,613,960 alleles (0.00025%); highest among the groups gnomAD compares: Non-Finnish European, 0.00025%; no homozygotes.

Submissions (2):

Ambry Genetics
Classification: Uncertain significance for Inborn genetic diseases. Last evaluated: 2025-01-20. Review status: criteria provided, single submitter. Criteria: Ambry Variant Classification Scheme 2023. Collection method: clinical testing. Allele origin: germline.
Comment: The p.E86Q variant (also known as c.256G>C), located in coding exon 3 of the CEP57 gene, results from a G to C substitution at nucleotide position 256. The glutamic acid at codon 86 is replaced by glutamine, an amino acid with highly similar properties. This amino acid position is conserved. In addition, this alteration is predicted to be deleterious by in silico analysis. Based on the available evidence, the clinical significance of this variant remains unclear.

Labcorp Genetics (formerly Invitae), Labcorp
Classification: Uncertain significance for Mosaic variegated aneuploidy syndrome 2. Last evaluated: 2022-05-15. Review status: criteria provided, single submitter. Criteria: Invitae Variant Classification Sherloc (09022015). Collection method: clinical testing. Allele origin: germline.
Comment: In summary, the available evidence is currently insufficient to determine the role of this variant in disease. Therefore, it has been classified as a Variant of Uncertain Significance. Algorithms developed to predict the effect of missense changes on protein structure and function (SIFT, PolyPhen-2, Align-GVGD) all suggest that this variant is likely to be disruptive. This variant has not been reported in the literature in individuals affected with CEP57-related conditions. This variant is present in population databases (no rsID available, gnomAD 0.007%). This sequence change replaces glutamic acid, which is acidic and polar, with glutamine, which is neutral and polar, at codon 86 of the CEP57 protein (p.Glu86Gln).